The following is an entry in ClinVar:

ClinVar aggregate classification (germline): Uncertain significance (1 of 4 stars; one submission).

gnomAD v4.1: 5 of 1,614,126 alleles (0.00031%); highest among the groups gnomAD compares: Non-Finnish European, 0.00034%; no homozygotes.

Submission:

GeneDx
Classification: Uncertain significance. Last evaluated: 2026-03-27. Review status: criteria provided, single submitter. Criteria: GeneDx Variant Classification Process June 2021. Collection method: clinical testing. Allele origin: germline.
Comment: Not observed at significant frequency in large population cohorts (gnomAD); In silico analysis supports that this missense variant has a deleterious effect on protein structure/function; Has not been previously published as pathogenic or benign to our knowledge

NM_002541.4(OGDH):c.1066C>T (p.Arg356Cys)

Gene: OGDH (oxoglutarate dehydrogenase; plus strand). Cytogenetic location: 7p13.
Variant type: single nucleotide variant.
Coding change: c.1066C>T on transcript NM_002541.4 (MANE Select); coding-DNA position 1066, C replaced by T.
Protein change: p.Arg356Cys; replaces arginine 356 with cysteine.
Molecular consequence: missense variant.
Genome position (GRCh38, 1-based): chr7:44,676,009, C>T. VCF-style: chr7-44676009-C-T. GRCh37 (hg19) VCF-style: chr7-44715608-C-T.
Other names: c.1066C>T, p.Arg356Cys (NM_001003941.3, NM_001439008.1); c.1054C>T, p.Arg352Cys (NM_001165036.2, NM_001439009.1); c.1099C>T, p.Arg367Cys (NM_001363523.2); c.1111C>T, p.Arg371Cys (NM_001439007.1); short protein forms R352C, R356C, R367C, R371C.
Identifiers: ClinVar variation 5017717 (VCV005017717.1).
Genomic context (GRCh38, chr7:44,676,009, plus strand): 5'-ATTCACTGTTTACCCCATCAGGGCTCCGGAGATGTGAAGTACCACCTGGGCATGTATCAC[C>T]GCAGGATCAATCGTGTCACCGACAGGAACATTACCTTGTCCTTGGTGGCCAACCCTTCCC-3'
Protein context (NP_002532.2, residues 346-366): DVKYHLGMYH[Arg356Cys]RINRVTDRNI